The following is an entry in ClinVar:

NM_000702.4(ATP1A2):c.1317C>T (p.Ser439=)

Gene: ATP1A2 (ATPase Na+/K+ transporting subunit alpha 2; plus strand). Cytogenetic location: 1q23.2.
Variant type: single nucleotide variant.
Coding change: c.1317C>T on transcript NM_000702.4 (MANE Select); coding-DNA position 1317, C replaced by T.
Protein change: p.Ser439=; no amino-acid change (serine 439 retained).
Molecular consequence: synonymous variant.
Genome position (GRCh38, 1-based): chr1:160,129,080, C>T. VCF-style: chr1-160129080-C-T. GRCh37 (hg19) VCF-style: chr1-160098870-C-T.
Other names: p.S439S:TCC>TCT.
Identifiers: ClinVar variation 204871 (VCV000204871.17), dbSNP rs759939624, ClinGen allele CA313246.
Genomic context (GRCh38, chr1:160,129,080, plus strand): 5'-GTCTCGAATTGCTGGTCTCTGCAACCGCGCCGTCTTCAAGGCAGGACAGGAGAACATCTC[C>T]GTGTCTAAGGTAGGGGGTCAGGACACACACCAGGTATGTTTTGGGGGTGTCTCCAAAGCC-3'
Protein context (NP_000693.1, residues 429-449): AVFKAGQENI[Ser439=]VSKRDTAGDA

ClinVar aggregate classification (germline): Benign/Likely benign. Review status: criteria provided, multiple submitters, no conflicts (2 of 4 stars). 8 submissions from 5 submitters: Benign (5); Likely benign (3). Last evaluated 2025-11-01.

Conditions:
Developmental and epileptic encephalopathy 98. Identifiers: MedGen C5562017, MONDO:0030472, OMIM 619605.
Fetal akinesia, respiratory insufficiency, microcephaly, polymicrogyria, and dysmorphic facies. Identifiers: MedGen C5562015, MONDO:0859204, OMIM 619602.
Familial hemiplegic migraine. Identifiers: MedGen C0338484, MONDO:0000700.
Migraine, familial hemiplegic, 2. Identifiers: Orphanet 569, MedGen C1865322, MONDO:0011232, OMIM 602481.
Alternating hemiplegia of childhood 1 (AHC1). Identifiers: Orphanet 2131, MedGen C3549447, MONDO:0007087, OMIM 104290.

Allele frequency attached by ClinVar (database versions not stated): gnomAD exomes 0.00002 and 0.00006; gnomAD 0.00003 and 0.00004; TOPMed 0.00005; ExAC 0.00006.
gnomAD v4.1: 98 of 1,613,674 alleles (0.0061%); highest among the groups gnomAD compares: Non-Finnish European, 0.0078%; no homozygotes.

Submissions (8):

CeGaT Center for Human Genetics Tuebingen
Classification: Likely benign. Last evaluated: 2025-11-01. Review status: criteria provided, single submitter. Criteria: CeGaT Center For Human Genetics Tuebingen Variant Classification Criteria Version 2. Collection method: clinical testing. Allele origin: germline. Affected: yes. Observed: 1 variant allele.
Comment: ATP1A2: BP4, BP7

Labcorp Genetics (formerly Invitae), Labcorp
Classification: Likely benign for Familial hemiplegic migraine. Last evaluated: 2025-06-08. Review status: criteria provided, single submitter. Criteria: Invitae Variant Classification Sherloc (09022015). Collection method: clinical testing. Allele origin: germline.

Blueprint Genetics
Classification: Likely benign. Last evaluated: 2024-06-25. Review status: criteria provided, single submitter. Criteria: ACMG Guidelines, 2015. Collection method: clinical testing. Allele origin: germline.

Genome-Nilou Lab
Classification: Benign for Alternating hemiplegia of childhood 1. Last evaluated: 2021-12-05. Review status: criteria provided, single submitter. Criteria: ACMG Guidelines, 2015. Collection method: clinical testing. Allele origin: germline. Affected: no.

Genome-Nilou Lab
Classification: Benign for Developmental and epileptic encephalopathy 98. Last evaluated: 2021-12-05. Review status: criteria provided, single submitter. Criteria: ACMG Guidelines, 2015. Collection method: clinical testing. Allele origin: germline. Affected: no.

Genome-Nilou Lab
Classification: Benign for Fetal akinesia, respiratory insufficiency, microcephaly, polymicrogyria, and dysmorphic facies. Last evaluated: 2021-12-05. Review status: criteria provided, single submitter. Criteria: ACMG Guidelines, 2015. Collection method: clinical testing. Allele origin: germline. Affected: no.

Genome-Nilou Lab
Classification: Benign for Migraine, familial hemiplegic, 2. Last evaluated: 2021-12-05. Review status: criteria provided, single submitter. Criteria: ACMG Guidelines, 2015. Collection method: clinical testing. Allele origin: germline. Affected: no.

GeneDx
Classification: Benign. Last evaluated: 2014-12-26. Review status: criteria provided, single submitter. Criteria: GeneDx Variant Classification (06012015). Collection method: clinical testing. Allele origin: germline. Affected: yes.
Comment: This variant is considered likely benign or benign based on one or more of the following criteria: it is a conservative change, it occurs at a poorly conserved position in the protein, it is predicted to be benign by multiple in silico algorithms, and/or has population frequency not consistent with disease.